The following is an entry in ClinVar:

ClinVar aggregate classification (germline): Uncertain significance. Review status: criteria provided, multiple submitters, no conflicts (2 of 4 stars). 4 submissions from 4 submitters: Uncertain significance (4). Last evaluated 2026-02-03.

Conditions:
Familial cancer of breast. Also called: Hereditary breast cancer; hereditary breast carcinoma; BREAST CANCER, FAMILIAL. Identifiers: Orphanet 227535, MedGen C0346153, MONDO:0016419, OMIM 114480. Disease mechanism: loss of function.
Hereditary cancer-predisposing syndrome. Also called: Hereditary neoplastic syndrome; Neoplastic Syndromes, Hereditary; Tumor predisposition; Hereditary Cancer Syndrome. Identifiers: Orphanet 140162, MedGen C0027672, MeSH D009386, MONDO:0015356.
Fanconi anemia complementation group J. Also called: BRIP1-Related Fanconi Anemia. Identifiers: Orphanet 84, MedGen C1836860, MONDO:0012187, OMIM 609054.

Submissions (4):

Labcorp Genetics (formerly Invitae), Labcorp
Classification: Uncertain significance for Familial cancer of breast; Fanconi anemia complementation group J. Last evaluated: 2026-02-03. Review status: criteria provided, single submitter. Criteria: Invitae Variant Classification Sherloc (09022015). Collection method: clinical testing. Allele origin: germline.
Comment: This variant, c.611_613del, results in the deletion of 1 amino acid(s) of the BRIP1 protein (p.Ser204del), but otherwise preserves the integrity of the reading frame. This variant is not present in population databases (gnomAD no frequency). This variant has not been reported in the literature in individuals affected with BRIP1-related conditions. ClinVar contains an entry for this variant (Variation ID: 407796). Experimental studies and prediction algorithms are not available or were not evaluated, and the functional significance of this variant is currently unknown. In summary, the available evidence is currently insufficient to determine the role of this variant in disease. Therefore, it has been classified as a Variant of Uncertain Significance.

Ambry Genetics
Classification: Uncertain significance for Hereditary cancer-predisposing syndrome. Last evaluated: 2025-07-23. Review status: criteria provided, single submitter. Criteria: Ambry Variant Classification Scheme 2023. Collection method: clinical testing. Allele origin: germline.
Comment: The c.611_613delCCT variant (also known as p.S204del) is located in coding exon 5 of the BRIP1 gene. This variant results from an in-frame CCT deletion at nucleotide positions 611 to 613. This results in the in-frame deletion of a serine at codon 204. This amino acid position is well conserved in available vertebrate species. In addition, this variant is predicted to be neutral by in silico analysis (Choi Y et al. PLoS ONE. 2012; 7(10):e46688). Based on the available evidence, the clinical significance of this variant remains unclear.

Baylor Genetics
Classification: Uncertain significance for Familial cancer of breast. Last evaluated: 2023-07-14. Review status: criteria provided, single submitter. Criteria: ACMG Guidelines, 2015. Collection method: clinical testing. Allele origin: unknown.

Genetic Services Laboratory, University of Chicago
Classification: Uncertain significance. Last evaluated: 2018-08-07. Review status: criteria provided, single submitter. Criteria: ACMG Guidelines, 2015. Collection method: clinical testing. Allele origin: germline. Affected: no.

NM_032043.3(BRIP1):c.611_613del (p.Ser204del)

Gene: BRIP1 (BRCA1 interacting DNA helicase 1; minus strand). Cytogenetic location: 17q23.2.
Variant type: Deletion.
Coding change: c.611_613del on transcript NM_032043.3 (MANE Select); coding-DNA positions 611 to 613, 3 bases deleted (CCT; older notation c.611_613delCCT).
Protein change: p.Ser204del; deletes serine 204.
Molecular consequence: inframe deletion.
Genome position (GRCh38, 1-based): chr17:61,847,115-61,847,117, AGG deleted on the plus strand (CCT on the coding strand, the reverse complement: BRIP1 is on the minus strand); deleting any 3 consecutive bases within chr17:61,847,115-61,847,119 gives the same sequence; the c. name uses the placement nearest the transcript's 3' end. VCF-style (leftmost placement, unchanged base first): chr17-61847114-AAGG-A. GRCh37 (hg19) VCF-style: chr17-59924475-AAGG-A.
Other names: c.611_613delCCT (NM_032043.2); short protein forms S204del.
Identifiers: ClinVar variation 407796 (VCV000407796.20), dbSNP rs1060501731, ClinGen allele CA16615826.